The following is an entry in ClinVar:

NM_001384474.1(LOXHD1):c.617G>A (p.Arg206His)

Gene: LOXHD1 (lipoxygenase homology PLAT domains 1; minus strand). Cytogenetic location: 18q21.1.
Variant type: single nucleotide variant.
Coding change: c.617G>A on transcript NM_001384474.1 (MANE Select); coding-DNA position 617, G replaced by A.
Protein change: p.Arg206His; replaces arginine 206 with histidine.
Molecular consequence: missense variant.
Genome position (GRCh38, 1-based): chr18:46,610,918, C>T on the plus strand (G>A on the coding strand, the complement: LOXHD1 is on the minus strand). VCF-style: chr18-46610918-C-T. GRCh37 (hg19) VCF-style: chr18-44190881-C-T.
Other names: c.617G>A, p.Arg206His (NM_144612.7); short protein forms R206H.
Identifiers: ClinVar variation 4098987 (VCV004098987.3).
Genomic context (GRCh38, chr18:46,610,918, plus strand): 5'-TCCAGGATGAACCTGTCTTCAGCTCCCTTTTCAAAGTTGTCCTTTTCATTTTCTAGCCTA[C>T]GCTCCCCTGTATGCACAGACATACAAAAGAAATTACAAAAAGACCAGAAGAAAAGAATTT-3'
Protein context (NP_001371403.1, residues 196-216): IFGEYGDTGE[Arg206His]RLENEKDNFE

ClinVar aggregate classification (germline): Uncertain significance. Review status: criteria provided, multiple submitters, no conflicts (2 of 4 stars). 3 submissions from 3 submitters: Uncertain significance (3). Last evaluated 2025-10-10.

Conditions:
LOXHD1-related disorder. Also called: LOXHD1-related condition.
Inborn genetic diseases. Identifiers: MedGen C0950123, MeSH D030342.

Submissions (3):

PreventionGenetics, part of Exact Sciences
Classification: Uncertain significance for LOXHD1-related condition. Last evaluated: 2025-10-10. Review status: criteria provided, single submitter. Criteria: ACMG Guidelines, 2015. Collection method: clinical testing. Allele origin: germline.
Comment: The LOXHD1 c.617G>A variant is predicted to result in the amino acid substitution p.Arg206His. To our knowledge, this variant has not been reported in the literature. This variant is reported in 0.0092% of alleles in individuals of East Asian descent in gnomAD. At this time, the clinical significance of this variant is uncertain due to the absence of conclusive functional and genetic evidence.

Ambry Genetics
Classification: Uncertain significance for Inborn genetic diseases. Last evaluated: 2025-07-02. Review status: criteria provided, single submitter. Criteria: Ambry Variant Classification Scheme 2023. Collection method: clinical testing. Allele origin: germline.

Blueprint Genetics
Classification: Uncertain significance. Last evaluated: 2023-11-03. Review status: criteria provided, single submitter. Criteria: ACMG Guidelines, 2015. Collection method: clinical testing. Allele origin: germline.